The following is an entry in ClinVar:

NM_019066.5(MAGEL2):c.1408C>T (p.Pro470Ser)

Gene: MAGEL2 (MAGE family member L2; minus strand). Cytogenetic location: 15q11.2.
Variant type: single nucleotide variant.
Coding change: c.1408C>T on transcript NM_019066.5 (MANE Select); coding-DNA position 1408, C replaced by T.
Protein change: p.Pro470Ser; replaces proline 470 with serine.
Molecular consequence: missense variant.
Genome position (GRCh38, 1-based): chr15:23,646,335, G>A on the plus strand (C>T on the coding strand, the complement: MAGEL2 is on the minus strand). VCF-style: chr15-23646335-G-A. GRCh37 (hg19) VCF-style: chr15-23891482-G-A.
Other names: short protein forms P470S.
Identifiers: ClinVar variation 3042923 (VCV003042923.2), dbSNP rs905538109, ClinGen allele CA267660355.
Genomic context (GRCh38, chr15:23,646,335, plus strand): 5'-GGGCCTGGCGGATCACAGGTGGAGCCTGGCGGATCACAGGTGGGGCCTGGCGGATCACAG[G>A]TGGGGCCTGGCGGATCACAGCGGGGGCCTGGCGGATCACGGGTGGGGCCTGGCGGATCAC-3'
Protein context (NP_061939.3, residues 460-480): QAPAVIRQAP[Pro470Ser]VIRQAPPVIR

ClinVar aggregate classification (germline): Uncertain significance (0 of 4 stars; one submission).

Conditions:
MAGEL2-related disorder. Also called: MAGEL2-related condition.

Allele frequency attached by ClinVar (database versions not stated): gnomAD 0.00001; TOPMed 0.00001.
gnomAD v4.1: 1 of 1,375,900 alleles (0.000073%); highest among the groups gnomAD compares: African/African-American, 0.0016%; no homozygotes.

Submission:

PreventionGenetics, part of Exact Sciences
Classification: Uncertain significance for MAGEL2-related condition. Last evaluated: 2023-12-14. Review status: no assertion criteria provided. Collection method: clinical testing. Allele origin: germline.
Comment: The MAGEL2 c.1408C>T variant is predicted to result in the amino acid substitution p.Pro470Ser. To our knowledge, this variant has not been reported in the literature or in a large population database, indicating this variant is rare. At this time, the clinical significance of this variant is uncertain due to the absence of conclusive functional and genetic evidence.